The following is an entry in ClinVar:

ClinVar aggregate classification (germline): Benign. Review status: criteria provided, single submitter (1 of 4 stars). 2 submissions from 1 submitter: Benign (2). Last evaluated 2018-01-13.

Conditions:
Charcot-Marie-Tooth disease axonal type 2L. Also called: Charcot-Marie-Tooth Neuropathy Type 2L; CHARCOT-MARIE-TOOTH DISEASE, AXONAL, AUTOSOMAL DOMINANT, TYPE 2L; CHARCOT-MARIE-TOOTH NEUROPATHY, AXONAL, TYPE 2L. Identifiers: Orphanet 99945, MedGen C1837552, MONDO:0012096, OMIM 608673.
Neuronopathy, distal hereditary motor, type 2A. Also called: CHARCOT-MARIE-TOOTH DISEASE, SPINAL, IIA; NEURONOPATHY, DISTAL HEREDITARY MOTOR, AUTOSOMAL DOMINANT 2; NEURONOPATHY, DISTAL HEREDITARY MOTOR, HARDING TYPE IIA; NEUROPATHY, DISTAL HEREDITARY MOTOR, HARDING TYPE IIA; SPINAL MUSCULAR ATROPHY, DISTAL, ADULT, AUTOSOMAL DOMINANT, HARDING TYPE IIA; HMN IIA. Identifiers: Orphanet 139525, MedGen C1834692, MONDO:0008025, OMIM 158590.

Allele frequency attached by ClinVar (database versions not stated): gnomAD exomes 0.00022; 1000 Genomes Project 30x 0.00593; 1000 Genomes Project 0.00639; gnomAD 0.00641 and 0.00690; TOPMed 0.00710.
gnomAD v4.1: 969 of 166,134 alleles (0.58%); highest among the groups gnomAD compares: African/African-American, 2.2%; 14 homozygotes.

Submissions (2):

Illumina Laboratory Services, Illumina
Classification: Benign for Neuronopathy, distal hereditary motor, type 2A. Last evaluated: 2018-01-13. Review status: criteria provided, single submitter. Criteria: ICSL Variant Classification Criteria 13 December 2019. Collection method: clinical testing. Allele origin: germline.
Comment: This variant was observed in the ICSL laboratory as part of a predisposition screen in an ostensibly healthy population. It had not been previously curated by ICSL or reported in the Human Gene Mutation Database (HGMD: prior to June 1st, 2018), and was therefore a candidate for classification through an automated scoring system. Utilizing variant allele frequency, disease prevalence and penetrance estimates, and inheritance mode, an automated score was calculated to assess if this variant is too frequent to cause the disease. Based on the score and internal cut-off values, a variant classified as benign is not then subjected to further curation. The score for this variant resulted in a classification of benign for this disease.

Illumina Laboratory Services, Illumina
Classification: Benign for Charcot-Marie-Tooth disease axonal type 2L. Last evaluated: 2018-01-13. Review status: criteria provided, single submitter. Criteria: ICSL Variant Classification Criteria 13 December 2019. Collection method: clinical testing. Allele origin: germline.
Comment: the same text as in the submission from Illumina Laboratory Services, Illumina above.

NM_014365.3(HSPB8):c.*581G>A

Gene: HSPB8 (heat shock protein family B (small) member 8; plus strand). Cytogenetic location: 12q24.23.
Variant type: single nucleotide variant.
Coding change: c.*581G>A on transcript NM_014365.3 (MANE Select); 581 bases downstream of the stop codon, G replaced by A.
Molecular consequence: 3 prime UTR variant.
Genome position (GRCh38, 1-based): chr12:119,194,439, G>A. VCF-style: chr12-119194439-G-A. GRCh37 (hg19) VCF-style: chr12-119632244-G-A.
Identifiers: ClinVar variation 307423 (VCV000307423.5), dbSNP rs56754798, ClinGen allele CA10632124.